The following is an entry in ClinVar:

ClinVar aggregate classification (germline): Benign. Review status: criteria provided, multiple submitters, no conflicts (2 of 4 stars). 3 submissions from 3 submitters: Benign (3). Last evaluated 2026-01-30.

Conditions:
Peroxisome biogenesis disorder type 3B. Identifiers: Orphanet 44, Orphanet 772, MedGen C3550693, MONDO:0009959, OMIM 266510.
Peroxisome biogenesis disorder 3A (Zellweger). Also called: PEROXISOMAL BIOGENESIS DISORDER 3A (ZELLWEGER); Peroxisome biogenesis disorder 3A. Identifiers: Orphanet 912, MedGen C3553929, MONDO:0013927, OMIM 614859.

Allele frequency attached by ClinVar (database versions not stated): gnomAD 0.00595 and 0.00647; TOPMed 0.00694; ESP Exome Variant Server 0.00838; gnomAD exomes 0.00057 and 0.00155; ExAC 0.00194; 1000 Genomes Project 0.00559; 1000 Genomes Project 30x 0.00656.
gnomAD v4.1: 1,781 of 1,614,172 alleles (0.11%); highest among the groups gnomAD compares: African/African-American, 2%; 22 homozygotes.

Submissions (3):

Labcorp Genetics (formerly Invitae), Labcorp
Classification: Benign for Peroxisome biogenesis disorder 3A (Zellweger). Last evaluated: 2026-01-30. Review status: criteria provided, single submitter. Criteria: Invitae Variant Classification Sherloc (09022015). Collection method: clinical testing. Allele origin: germline.

Mayo Clinic Laboratories, Mayo Clinic
Classification: Benign. Last evaluated: 2021-12-29. Review status: criteria provided, single submitter. Criteria: ACMG Guidelines, 2015. Collection method: clinical testing. Allele origin: germline. Observed: 6 variant alleles.
Comment: BA1, BP4, BP7

Fulgent Genetics
Classification: Benign for Peroxisome biogenesis disorder type 3B; Peroxisome biogenesis disorder 3A (Zellweger). Last evaluated: 2021-08-23. Review status: criteria provided, single submitter. Criteria: ACMG Guidelines, 2015. Collection method: clinical testing. Allele origin: unknown.

Literature cited by the submitters: PubMed 19105186 (cited by Mayo Clinic Laboratories, Mayo Clinic).

NM_000286.3(PEX12):c.867C>T (p.Asp289=)

Gene: PEX12 (peroxisomal biogenesis factor 12; minus strand). Cytogenetic location: 17q12.
Variant type: single nucleotide variant.
Coding change: c.867C>T on transcript NM_000286.3 (MANE Select); coding-DNA position 867, C replaced by T.
Protein change: p.Asp289=; no amino-acid change (aspartic acid 289 retained).
Molecular consequence: synonymous variant.
Genome position (GRCh38, 1-based): chr17:35,575,995, G>A on the plus strand (C>T on the coding strand, the complement: PEX12 is on the minus strand). VCF-style: chr17-35575995-G-A. GRCh37 (hg19) VCF-style: chr17-33903014-G-A.
Other names: p.Asp289=.
Identifiers: ClinVar variation 768872 (VCV000768872.12), dbSNP rs138720627, ClinGen allele CA8504832.
Genomic context (GRCh38, chr17:35,575,995, plus strand): 5'-TTTACGACACAGTGGGCACACAGTCTTCATTTTGGGTAAGAGGGGAGAATCAGAGTTATA[G>A]TCTAGGTGTACAGGTGGTGGTGGAGTAGGCAGGGCAGTCAATGACTTGATGGTTTCTTGA-3'
Protein context (NP_000277.1, residues 279-299): LPTPPPPVHL[Asp289=]YNSDSPLLPK